The following is an entry in ClinVar:

NM_001848.3(COL6A1):c.1957-10G>A

Gene: COL6A1 (collagen type VI alpha 1 chain; plus strand). Cytogenetic location: 21q22.3.
Variant type: single nucleotide variant.
Coding change: c.1957-10G>A on transcript NM_001848.3 (MANE Select); 10 bases into the intron before coding-DNA position 1957, G replaced by A.
Molecular consequence: intron variant.
Genome position (GRCh38, 1-based): chr21:46,001,951, G>A. VCF-style: chr21-46001951-G-A. GRCh37 (hg19) VCF-style: chr21-47421865-G-A.
Identifiers: ClinVar variation 944665 (VCV000944665.8), dbSNP rs761863286, ClinGen allele CA10070695.

ClinVar aggregate classification (germline): Uncertain significance (1 of 4 stars; one submission).

Conditions:
Bethlem myopathy 1A. Also called: Bethlem Muscular Dystrophy; MYOPATHY, BENIGN CONGENITAL, WITH CONTRACTURES; Bethlem myopathy 1. Identifiers: Orphanet 610, MedGen CN029274, MONDO:0024530, OMIM 158810.

Allele frequency attached by ClinVar (database versions not stated): ExAC 0.00002; gnomAD exomes 0.00002 and 0.00003; gnomAD 0.00003; TOPMed 0.00004.
gnomAD v4.1: 47 of 1,610,846 alleles (0.0029%); highest among the groups gnomAD compares: Non-Finnish European, 0.0035%; no homozygotes.

Submission:

Labcorp Genetics (formerly Invitae), Labcorp
Classification: Uncertain significance for Bethlem myopathy 1A. Last evaluated: 2025-10-01. Review status: criteria provided, single submitter. Criteria: Invitae Variant Classification Sherloc (09022015). Collection method: clinical testing. Allele origin: germline.
Comment: This sequence change falls in intron 30 of the COL6A1 gene. It does not directly change the encoded amino acid sequence of the COL6A1 protein. The frequency data for this variant in the population databases is considered unreliable, as metrics indicate poor data quality at this position in the gnomAD database. This variant has not been reported in the literature in individuals affected with COL6A1-related conditions. ClinVar contains an entry for this variant (Variation ID: 944665). Algorithms developed to predict the effect of sequence changes on RNA splicing suggest that this variant may disrupt the consensus splice site. In summary, the available evidence is currently insufficient to determine the role of this variant in disease. Therefore, it has been classified as a Variant of Uncertain Significance.